The following is an entry in ClinVar:

NM_022489.4(INF2):c.2847G>A (p.Ala949=)

Gene: INF2 (inverted formin 2; plus strand). Cytogenetic location: 14q32.33.
Variant type: single nucleotide variant.
Coding change: c.2847G>A on transcript NM_022489.4 (MANE Select); coding-DNA position 2847, G replaced by A.
Protein change: p.Ala949=; no amino-acid change (alanine 949 retained).
Molecular consequence: synonymous variant.
Genome position (GRCh38, 1-based): chr14:104,713,278, G>A. VCF-style: chr14-104713278-G-A. GRCh37 (hg19) VCF-style: chr14-105179615-G-A.
Other names: c.2847G>A, p.Ala949= (NM_001031714.4).
Identifiers: ClinVar variation 540058 (VCV000540058.15), dbSNP rs754546219, ClinGen allele CA7373096.

ClinVar aggregate classification (germline): Conflicting classifications of pathogenicity. Review status: criteria provided, conflicting classifications (1 of 4 stars). 4 submissions from 4 submitters: Uncertain significance (1); Likely benign (3). Last evaluated 2025-11-17.

Conditions:
INF2-related disorder. Also called: INF2-related condition.
Focal segmental glomerulosclerosis 5 (FSGS5). Identifiers: Orphanet 656, MedGen C2750475, MONDO:0013191, OMIM 613237.
Charcot-Marie-Tooth disease dominant intermediate E. Also called: CHARCOT-MARIE-TOOTH NEUROPATHY WITH FOCAL SEGMENTAL GLOMERULONEPHRITIS. Identifiers: Orphanet 93114, MedGen C4302667, MONDO:0013758, OMIM 614455.
Inborn genetic diseases. Identifiers: MedGen C0950123, MeSH D030342.

Allele frequency attached by ClinVar (database versions not stated): ExAC below 0.00001; TOPMed 0.00002; gnomAD 0.00003 and 0.00004; gnomAD exomes 0.00003 and 0.00008; 1000 Genomes Project 30x 0.00016.

Submissions (4):

Labcorp Genetics (formerly Invitae), Labcorp
Classification: Likely benign for Charcot-Marie-Tooth disease dominant intermediate E; Focal segmental glomerulosclerosis 5. Last evaluated: 2025-11-17. Review status: criteria provided, single submitter. Criteria: Invitae Variant Classification Sherloc (09022015). Collection method: clinical testing. Allele origin: germline.

PreventionGenetics, part of Exact Sciences
Classification: Likely benign for INF2-related condition. Last evaluated: 2025-10-21. Review status: criteria provided, single submitter. Criteria: ACMG Guidelines, 2015. Collection method: clinical testing. Allele origin: germline.
Comment: This variant is classified as likely benign based on ACMG/AMP sequence variant interpretation guidelines (Richards et al. 2015 PMID: 25741868, with internal and published modifications).

Ambry Genetics
Classification: Likely benign for Inborn genetic diseases. Last evaluated: 2019-07-11. Review status: criteria provided, single submitter. Criteria: Ambry Variant Classification Scheme 2023. Collection method: clinical testing. Allele origin: germline.

Illumina Laboratory Services, Illumina
Classification: Uncertain significance for Focal segmental glomerulosclerosis 5. Last evaluated: 2017-04-27. Review status: criteria provided, single submitter. Criteria: ICSL Variant Classification Criteria 13 December 2019. Collection method: clinical testing. Allele origin: germline.